The following is an entry in ClinVar:

NM_001370259.2(MEN1):c.913-13C>T

Gene: MEN1 (menin 1; minus strand). Cytogenetic location: 11q13.1.
Variant type: single nucleotide variant.
Coding change: c.913-13C>T on transcript NM_001370259.2 (MANE Select); 13 bases into the intron before coding-DNA position 913, C replaced by T.
Molecular consequence: intron variant.
Genome position (GRCh38, 1-based): chr11:64,806,381, G>A on the plus strand (C>T on the coding strand, the complement: MEN1 is on the minus strand). VCF-style: chr11-64806381-G-A. GRCh37 (hg19) VCF-style: chr11-64573853-G-A.
Other names: c.928-13C>T (NM_130804.3, NM_130803.3, NM_000244.4 and 3 more transcripts); c.913-13C>T (NM_130799.3, NM_001370260.2, NM_001370251.2 and 2 more transcripts); c.808-13C>T (NM_001370263.2, NM_001370262.2).
Identifiers: ClinVar variation 1651375 (VCV001651375.11), dbSNP rs1309344851, ClinGen allele CA679267452.

ClinVar aggregate classification (germline): Likely benign. Review status: criteria provided, multiple submitters, no conflicts (2 of 4 stars). 4 submissions from 4 submitters: Likely benign (4). Last evaluated 2026-01-06.

Conditions:
Multiple endocrine neoplasia, type 1 (MEN1). Also called: MEA I; MEN I; WERMER SYNDROME; Endocrine adenomatosis multiple; MEN 1. Identifiers: Orphanet 652, MedGen C0025267, MeSH D018761, MONDO:0007540, OMIM 131100.

Allele frequency attached by ClinVar (database versions not stated): gnomAD exomes below 0.00001; TOPMed below 0.00001.
gnomAD v4.1: 2 of 1,614,118 alleles (0.00012%); highest among the groups gnomAD compares: Non-Finnish European, 0.00017%; no homozygotes.

Submissions (4):

Labcorp Genetics (formerly Invitae), Labcorp
Classification: Likely benign for Multiple endocrine neoplasia, type 1. Last evaluated: 2026-01-06. Review status: criteria provided, single submitter. Criteria: Invitae Variant Classification Sherloc (09022015). Collection method: clinical testing. Allele origin: germline.

Myriad Genetics, Inc.
Classification: Likely benign for Multiple endocrine neoplasia, type 1. Last evaluated: 2024-11-04. Review status: criteria provided, single submitter. Criteria: Myriad Autosomal Dominant, Autosomal Recessive and X-Linked Classification Criteria (2023). Collection method: clinical testing. Allele origin: unknown.
Comment: This variant is considered likely benign. This variant is intronic and is not expected to impact mRNA splicing.

All of Us Research Program, National Institutes of Health
Classification: Likely benign for Multiple endocrine neoplasia, type 1. Last evaluated: 2023-10-02. Review status: criteria provided, single submitter. Criteria: ACMG Guidelines, 2015. Collection method: clinical testing. Allele origin: germline. Inheritance: Autosomal dominant inheritance. Observed: 2 variant alleles, 2 heterozygotes.
Comment: This study involves interpretation of variants in research participants for the purpose of population health screening. Participant phenotype was not available at the time of variant classification. Additional details can be found in publication PMID: 35346344, PMCID: PMC8962531

Color Diagnostics, LLC DBA Color Health
Classification: Likely benign for Multiple endocrine neoplasia, type 1. Last evaluated: 2023-06-15. Review status: criteria provided, single submitter. Criteria: ACMG Guidelines, 2015. Collection method: clinical testing. Allele origin: germline.